The following is an entry in ClinVar:

NM_002208.5(ITGAE):c.544A>G (p.Lys182Glu)

Gene: ITGAE (integrin subunit alpha E; minus strand). Cytogenetic location: 17p13.2.
Variant type: single nucleotide variant.
Coding change: c.544A>G on transcript NM_002208.5 (MANE Select); coding-DNA position 544, A replaced by G.
Protein change: p.Lys182Glu; replaces lysine 182 with glutamic acid.
Molecular consequence: missense variant.
Genome position (GRCh38, 1-based): chr17:3,761,067, T>C on the plus strand (A>G on the coding strand, the complement: ITGAE is on the minus strand). VCF-style: chr17-3761067-T-C. GRCh37 (hg19) VCF-style: chr17-3664361-T-C.
Other names: c.544A>G, p.Lys182Glu (NM_001425071.1, NM_001425072.1); short protein forms K182E.
Identifiers: ClinVar variation 3388053 (VCV003388053.14).

ClinVar aggregate classification (germline): Likely benign (1 of 4 stars; one submission).

gnomAD v4.1: 10,832 of 1,610,084 alleles (0.67%); highest among the groups gnomAD compares: Middle Eastern, 1%; 99 homozygotes.

Submission:

CeGaT Center for Human Genetics Tuebingen
Classification: Likely benign. Last evaluated: 2024-12-01. Review status: criteria provided, single submitter. Criteria: CeGaT Center For Human Genetics Tuebingen Variant Classification Criteria Version 2. Collection method: clinical testing. Allele origin: germline. Affected: yes. Observed: 2 variant alleles.
Comment: ITGAE: BP4, BS2